The following is an entry in ClinVar:

ClinVar aggregate classification (germline): Likely pathogenic (1 of 4 stars; one submission).

Conditions:
Hypotonia, ataxia, and delayed development syndrome (HADDS). Also called: EBF3 Neurodevelopmental Disorder. Identifiers: Orphanet 658843, MedGen C4310618, MONDO:0015021, OMIM 617330.

Submission:

Dasa
Classification: Likely pathogenic for Hypotonia, ataxia, and delayed development syndrome. Last evaluated: 2025-10-11. Review status: criteria provided, single submitter. Criteria: DASA Assertion Criteria. Collection method: clinical testing. Allele origin: germline.
Comment: NM_001375380.1(EBF3):c.523G>T (p.Glu175*) is a nonsense variant in EBF3 predicted to introduce a premature termination codon and is predicted to result in an absent or altered protein product. Loss of function is an established disease mechanism for EBF3 (PMID: 28017373; PMID: 28017370; PMID: 35340043). Also, this variant is absent from population databases. Based on the currently available evidence, this variant is classified as likely pathogenic.

Literature cited by the submitters: PubMed 28017373; PubMed 28017370; PubMed 35340043.

NM_001375380.1(EBF3):c.523G>T (p.Glu175Ter)

Gene: EBF3 (EBF transcription factor 3; minus strand). Cytogenetic location: 10q26.3.
Variant type: single nucleotide variant.
Coding change: c.523G>T on transcript NM_001375380.1 (MANE Select); coding-DNA position 523, G replaced by T.
Protein change: p.Glu175Ter; replaces glutamic acid 175 with a stop codon.
Molecular consequence: nonsense.
Genome position (GRCh38, 1-based): chr10:129,957,289, C>A on the plus strand (G>T on the coding strand, the complement: EBF3 is on the minus strand). VCF-style: chr10-129957289-C-A. GRCh37 (hg19) VCF-style: chr10-131755553-C-A.
Other names: c.523G>T, p.Glu175Ter (NM_001005463.3, NM_001375379.1, NM_001375389.1 and 3 more transcripts); short protein forms E175*.
Identifiers: ClinVar variation 4882885 (VCV004882885.2).